The following is an entry in ClinVar:

NM_001349.4(DARS1):c.752A>C (p.Gln251Pro)

Gene: DARS1 (aspartyl-tRNA synthetase 1; minus strand). Cytogenetic location: 2q21.3.
Variant type: single nucleotide variant.
Coding change: c.752A>C on transcript NM_001349.4 (MANE Select); coding-DNA position 752, A replaced by C.
Protein change: p.Gln251Pro; replaces glutamine 251 with proline.
Molecular consequence: missense variant.
Genome position (GRCh38, 1-based): chr2:135,922,843, T>G on the plus strand (A>C on the coding strand, the complement: DARS1 is on the minus strand). VCF-style: chr2-135922843-T-G. GRCh37 (hg19) VCF-style: chr2-136680413-T-G.
Other names: c.452A>C, p.Gln151Pro (NM_001293312.1); short protein forms Q151P, Q251P.
Identifiers: ClinVar variation 4293598 (VCV004293598.1).

ClinVar aggregate classification (germline): Uncertain significance (1 of 4 stars; one submission).

Conditions:
Hypomyelination with brain stem and spinal cord involvement and leg spasticity. Also called: Hypomyelination with brainstem and spinal cord involvement and leg spasticity; ASPARTYL-tRNA SYNTHETASE DEFICIENCY. Identifiers: Orphanet 363412, MedGen C4755254, MONDO:0014115, OMIM 615281.

Submission:

3billion
Classification: Uncertain significance for Hypomyelination with brain stem and spinal cord involvement and leg spasticity. Last evaluated: 2024-06-25. Review status: criteria provided, single submitter. Criteria: ACMG Guidelines, 2015. Collection method: clinical testing. Allele origin: germline. Affected: yes.
Comment: The variant is not observed in the gnomAD v4.0.0 dataset. Predicted Consequence/Location: Missense variant In silico tool predictions suggest damaging effect of the variant on gene or gene product [REVEL: 0.92 (>=0.6, sensitivity 0.68 and specificity 0.92)]. Therefore, this variant is classified as VUS according to the recommendation of ACMG/AMP guideline.